The following is an entry in ClinVar:

ClinVar aggregate classification (germline): Uncertain significance. Review status: criteria provided, multiple submitters, no conflicts (2 of 4 stars). 2 submissions from 2 submitters: Uncertain significance (2). Last evaluated 2025-04-03.

Conditions:
Joubert syndrome. Also called: JOUBERT-BOLTSHAUSER SYNDROME; Familial aplasia of the vermis. Identifiers: Orphanet 475, MedGen C5979921, MONDO:0018772.
Meckel-Gruber syndrome. Also called: DYSENCEPHALIA SPLANCHNOCYSTICA; GRUBER SYNDROME; Dysencephalia splachnocystica. Identifiers: Orphanet 564, MedGen C0265215, MONDO:0018921.
Inborn genetic diseases. Identifiers: MedGen C0950123, MeSH D030342.

gnomAD v4.1: 10 of 1,613,698 alleles (0.00062%); highest among the groups gnomAD compares: Non-Finnish European, 0.00085%; no homozygotes.

Submissions (2):

Ambry Genetics
Classification: Uncertain significance for Inborn genetic diseases. Last evaluated: 2025-04-03. Review status: criteria provided, single submitter. Criteria: Ambry Variant Classification Scheme 2023. Collection method: clinical testing. Allele origin: germline.

Labcorp Genetics (formerly Invitae), Labcorp
Classification: Uncertain significance for Joubert syndrome; Meckel-Gruber syndrome. Last evaluated: 2021-07-28. Review status: criteria provided, single submitter. Criteria: Invitae Variant Classification Sherloc (09022015). Collection method: clinical testing. Allele origin: germline.
Comment: This sequence change replaces proline with serine at codon 289 of the CC2D2A protein (p.Pro289Ser). The proline residue is moderately conserved and there is a moderate physicochemical difference between proline and serine. This variant is not present in population databases (ExAC no frequency). This variant has not been reported in the literature in individuals affected with CC2D2A-related conditions. Advanced modeling of protein sequence and biophysical properties (such as structural, functional, and spatial information, amino acid conservation, physicochemical variation, residue mobility, and thermodynamic stability) performed at Invitae indicates that this missense variant is expected to disrupt CC2D2A protein function. In summary, the available evidence is currently insufficient to determine the role of this variant in disease. Therefore, it has been classified as a Variant of Uncertain Significance.

NM_001378615.1(CC2D2A):c.865C>T (p.Pro289Ser)

Genes: CC2D2A (coiled-coil and C2 domain containing 2A; plus strand), FBXL5 (F-box and leucine rich repeat protein 5; minus strand). Cytogenetic location: 4p15.32.
Variant type: single nucleotide variant.
Coding change: c.865C>T on transcript NM_001378615.1 (MANE Select); coding-DNA position 865, C replaced by T.
Protein change: p.Pro289Ser; replaces proline 289 with serine.
Molecular consequence: missense variant.
Genome position (GRCh38, 1-based): chr4:15,514,854, C>T. VCF-style: chr4-15514854-C-T. GRCh37 (hg19) VCF-style: chr4-15516477-C-T.
Other names: c.865C>T, p.Pro289Ser (NM_001080522.2); c.718C>T, p.Pro240Ser (NM_001378617.1); short protein forms P289S, P240S.
Identifiers: ClinVar variation 1411233 (VCV001411233.4), dbSNP rs371405756, ClinGen allele CA356409445.